The following is an entry in ClinVar:

NM_001366145.2(TRPM3):c.973+16607C>T

Gene: TRPM3 (transient receptor potential cation channel subfamily M member 3; minus strand). Cytogenetic location: 9q21.12.
Variant type: single nucleotide variant.
Coding change: c.973+16607C>T on transcript NM_001366145.2 (MANE Select); 16607 bases into the intron after coding-DNA position 973, C replaced by T.
Molecular consequence: intron variant. On other transcripts: synonymous variant (6).
Genome position (GRCh38, 1-based): chr9:70,811,240, G>A on the plus strand (C>T on the coding strand, the complement: TRPM3 is on the minus strand). VCF-style: chr9-70811240-G-A. GRCh37 (hg19) VCF-style: chr9-73426156-G-A.
Other names: c.519C>T, p.Cys173= (NM_001007470.3, NM_206946.5, NM_206947.5); c.978C>T, p.Cys326= (NM_001366147.2, NM_001366148.2, NM_001366152.2); c.979+16607C>T (NM_001366143.2, NM_001366141.2, NM_001366142.2 and 1 more transcripts); c.973+16607C>T (NM_001366150.2, NM_001366151.2, NM_001007471.4 and 3 more transcripts); c.514+16607C>T (NM_206944.5, NM_020952.6, NM_206945.5 and 3 more transcripts).
Identifiers: ClinVar variation 4533695 (VCV004533695.7).

ClinVar aggregate classification (germline): Likely benign. Review status: criteria provided, multiple submitters, no conflicts (2 of 4 stars). 2 submissions from 2 submitters: Likely benign (2). Last evaluated 2026-06-01.

gnomAD v4.1: 964 of 1,607,890 alleles (0.06%); highest among the groups gnomAD compares: African/African-American, 1.2%; 7 homozygotes.

Submissions (2):

CeGaT Center for Human Genetics Tuebingen
Classification: Likely benign. Last evaluated: 2026-06-01. Review status: criteria provided, single submitter. Criteria: CeGaT Center For Human Genetics Tuebingen Variant Classification Criteria Version 2. Collection method: clinical testing. Allele origin: germline. Affected: yes. Observed: 3 variant alleles.
Comment: TRPM3: BP4, BS1

Blueprint Genetics
Classification: Likely benign. Last evaluated: 2024-10-07. Review status: criteria provided, single submitter. Criteria: ACMG Guidelines, 2015. Collection method: clinical testing. Allele origin: germline.